The following is an entry in ClinVar:

NM_001146312.3(MYOCD):c.506G>A (p.Ser169Asn)

Gene: MYOCD (myocardin; plus strand). Cytogenetic location: 17p12.
Variant type: single nucleotide variant.
Coding change: c.506G>A on transcript NM_001146312.3 (MANE Select); coding-DNA position 506, G replaced by A.
Protein change: p.Ser169Asn; replaces serine 169 with asparagine.
Molecular consequence: missense variant.
Genome position (GRCh38, 1-based): chr17:12,736,251, G>A. VCF-style: chr17-12736251-G-A. GRCh37 (hg19) VCF-style: chr17-12639568-G-A.
Other names: c.269G>A, p.Ser90Asn (NM_001378306.1); c.506G>A, p.Ser169Asn (NM_153604.4); c.506G>A (NM_001146312.1); short protein forms S169N, S90N.
Identifiers: ClinVar variation 1301582 (VCV001301582.19), dbSNP rs148826320, ClinGen allele CA8399361.

ClinVar aggregate classification (germline): Conflicting classifications of pathogenicity. Review status: criteria provided, conflicting classifications (1 of 4 stars). 4 submissions from 4 submitters: Uncertain significance (1); Likely benign (3). Last evaluated 2024-09-01.

Conditions:
Megabladder, congenital. Identifiers: MedGen C5231472, MONDO:0032879, OMIM 618719.

Allele frequency attached by ClinVar (database versions not stated): 1000 Genomes Project 30x 0.00016; 1000 Genomes Project 0.00020; gnomAD 0.00020 and 0.00023; gnomAD exomes 0.00024 and 0.00043; TOPMed 0.00028; ESP Exome Variant Server 0.00038; ExAC 0.00042.
gnomAD v4.1: 422 of 1,614,210 alleles (0.026%); highest among the groups gnomAD compares: Middle Eastern, 0.23%; 2 homozygotes.

Submissions (4):

CeGaT Center for Human Genetics Tuebingen
Classification: Likely benign. Last evaluated: 2024-09-01. Review status: criteria provided, single submitter. Criteria: CeGaT Center For Human Genetics Tuebingen Variant Classification Criteria Version 2. Collection method: clinical testing. Allele origin: germline. Affected: yes. Observed: 1 variant allele.
Comment: MYOCD: BP4

Ambry Genetics
Classification: Uncertain significance. Last evaluated: 2021-07-16. Review status: criteria provided, single submitter. Criteria: Ambry Variant Classification Scheme 2023. Collection method: clinical testing. Allele origin: germline.

Dubai Health Genomic Medicine Center, Dubai Health
Classification: Likely benign for Megabladder, congenital. Last evaluated: 2020-10-01. Review status: criteria provided, single submitter. Criteria: ACMG Guidelines, 2015. Collection method: clinical testing. Allele origin: germline. Affected: yes.

Breakthrough Genomics
Classification: Likely benign. Review status: criteria provided, single submitter. Criteria: ACMG Guidelines, 2015. Collection method: not provided. Allele origin: germline. Inheritance: Autosomal dominant inheritance. Affected: yes.